The following is an entry in ClinVar:

NM_024747.6(HPS6):c.805G>A (p.Ala269Thr)

Gene: HPS6 (HPS6 biogenesis of lysosomal organelles complex 2 subunit 3; plus strand). Cytogenetic location: 10q24.32.
Variant type: single nucleotide variant.
Coding change: c.805G>A on transcript NM_024747.6 (MANE Select); coding-DNA position 805, G replaced by A.
Protein change: p.Ala269Thr; replaces alanine 269 with threonine.
Molecular consequence: missense variant.
Genome position (GRCh38, 1-based): chr10:102,066,279, G>A. VCF-style: chr10-102066279-G-A. GRCh37 (hg19) VCF-style: chr10-103826036-G-A.
Other names: short protein forms A269T.
Identifiers: ClinVar variation 1353910 (VCV001353910.5), dbSNP rs761823678, ClinGen allele CA5659864.

ClinVar aggregate classification (germline): Uncertain significance (1 of 4 stars; one submission).

Allele frequency attached by ClinVar (database versions not stated): gnomAD exomes 0.00001 and 0.00002; ExAC 0.00002.

Submission:

Labcorp Genetics (formerly Invitae), Labcorp
Classification: Uncertain significance. Last evaluated: 2022-02-05. Review status: criteria provided, single submitter. Criteria: Invitae Variant Classification Sherloc (09022015). Collection method: clinical testing. Allele origin: germline.
Comment: This sequence change replaces alanine, which is neutral and non-polar, with threonine, which is neutral and polar, at codon 269 of the HPS6 protein (p.Ala269Thr). This variant is present in population databases (rs761823678, gnomAD 0.01%). This variant has not been reported in the literature in individuals affected with HPS6-related conditions. Algorithms developed to predict the effect of missense changes on protein structure and function output the following: SIFT: "Tolerated"; PolyPhen-2: "Benign"; Align-GVGD: "Class C0". The threonine amino acid residue is found in multiple mammalian species, which suggests that this missense change does not adversely affect protein function. In summary, the available evidence is currently insufficient to determine the role of this variant in disease. Therefore, it has been classified as a Variant of Uncertain Significance.